The following is an entry in ClinVar:

ClinVar aggregate classification (germline): Benign/Likely benign. Review status: criteria provided, multiple submitters, no conflicts (2 of 4 stars). 3 submissions from 3 submitters: Benign (1); Likely benign (2). Last evaluated 2024-10-23.

Conditions:
Hereditary cancer-predisposing syndrome. Also called: Hereditary Cancer Syndrome; Hereditary neoplastic syndrome; Neoplastic Syndromes, Hereditary; Tumor predisposition. Identifiers: Orphanet 140162, MedGen C0027672, MeSH D009386, MONDO:0015356.
Birt-Hogg-Dube syndrome 1 (BHD1). Also called: FIBROFOLLICULOMAS WITH TRICHODISCOMAS AND ACROCHORDONS. Identifiers: Orphanet 122, MedGen CN375946, MONDO:0800445, OMIM 135150.
Birt-Hogg-Dube syndrome. Also called: Birt Hogg Dubé syndrome. Identifiers: Orphanet 122, MedGen C0346010, MONDO:0800444.

Allele frequency attached by ClinVar (database versions not stated): gnomAD exomes below 0.00001.
gnomAD v4.1: 1 of 1,613,432 alleles (0.000062%); highest among the groups gnomAD compares: South Asian, 0.0011%; no homozygotes.

Submissions (3):

Myriad Genetics, Inc.
Classification: Benign for Birt-Hogg-Dube syndrome 1. Last evaluated: 2024-10-23. Review status: criteria provided, single submitter. Criteria: Myriad Autosomal Dominant, Autosomal Recessive and X-Linked Classification Criteria (2023). Collection method: clinical testing. Allele origin: unknown.
Comment: This variant is considered benign. This variant is a silent/synonymous amino acid change and it is not expected to impact splicing.

Labcorp Genetics (formerly Invitae), Labcorp
Classification: Likely benign for Birt-Hogg-Dube syndrome. Last evaluated: 2024-03-28. Review status: criteria provided, single submitter. Criteria: Invitae Variant Classification Sherloc (09022015). Collection method: clinical testing. Allele origin: germline.

Ambry Genetics
Classification: Likely benign for Hereditary cancer-predisposing syndrome. Last evaluated: 2024-02-16. Review status: criteria provided, single submitter. Criteria: Ambry Variant Classification Scheme 2023. Collection method: clinical testing. Allele origin: germline.

NM_144997.7(FLCN):c.588C>T (p.Ile196=)

Gene: FLCN (folliculin; minus strand). Cytogenetic location: 17p11.2.
Variant type: single nucleotide variant.
Coding change: c.588C>T on transcript NM_144997.7 (MANE Select); coding-DNA position 588, C replaced by T.
Protein change: p.Ile196=; no amino-acid change (isoleucine 196 retained).
Molecular consequence: synonymous variant.
Genome position (GRCh38, 1-based): chr17:17,223,952, G>A on the plus strand (C>T on the coding strand, the complement: FLCN is on the minus strand). VCF-style: chr17-17223952-G-A. GRCh37 (hg19) VCF-style: chr17-17127266-G-A.
Other names: c.642C>T, p.Ile214= (NM_001353229.2); c.588C>T, p.Ile196= (NM_001353230.2, NM_001353231.2, NM_144606.7); c.588C>T (NM_144997.5).
Identifiers: ClinVar variation 1152912 (VCV001152912.9), dbSNP rs1229433542, ClinGen allele CA498166109.